The following is an entry in ClinVar:

NM_001379500.1(COL18A1):c.2158-9C>T

Gene: COL18A1 (collagen type XVIII alpha 1 chain; plus strand). Cytogenetic location: 21q22.3.
Variant type: single nucleotide variant.
Coding change: c.2158-9C>T on transcript NM_001379500.1 (MANE Select); 9 bases into the intron before coding-DNA position 2158, C replaced by T.
Molecular consequence: intron variant.
Genome position (GRCh38, 1-based): chr21:45,492,526, C>T. VCF-style: chr21-45492526-C-T. GRCh37 (hg19) VCF-style: chr21-46912440-C-T.
Other names: NM_130445.2:c.2158-9C>T; c.3403-9C>T (NM_130444.3); c.2698-9C>T (NM_030582.4, NM_030582.3).
Identifiers: ClinVar variation 447118 (VCV000447118.15), dbSNP rs200143450, ClinGen allele CA10066861.

ClinVar aggregate classification (germline): Conflicting classifications of pathogenicity. Review status: criteria provided, conflicting classifications (1 of 4 stars). 5 submissions from 5 submitters: Uncertain significance (1); Likely benign (4). Last evaluated 2026-02-02.

Conditions:
COL18A1-related disorder. Also called: COL18A1-related condition; COL18A1-related disorders.
Knobloch syndrome (KNO). Also called: RETINAL DETACHMENT AND OCCIPITAL ENCEPHALOCELE; Myopia retinal detachment encephalocele. Identifiers: Orphanet 1571, MedGen C1849409, MONDO:0800166.

Allele frequency attached by ClinVar (database versions not stated): gnomAD 0.00074 and 0.00082; gnomAD exomes 0.00082 and 0.00121; TOPMed 0.00082; 1000 Genomes Project 0.00040; ESP Exome Variant Server 0.00058; 1000 Genomes Project 30x 0.00062; ExAC 0.00073.
gnomAD v4.1: 1,920 of 1,613,404 alleles (0.12%); highest among the groups gnomAD compares: South Asian, 0.15%; 8 homozygotes.

Submissions (5):

Labcorp Genetics (formerly Invitae), Labcorp
Classification: Likely benign. Last evaluated: 2026-02-02. Review status: criteria provided, single submitter. Criteria: Invitae Variant Classification Sherloc (09022015). Collection method: clinical testing. Allele origin: germline.

PreventionGenetics, part of Exact Sciences
Classification: Likely benign for COL18A1-related condition. Last evaluated: 2026-01-27. Review status: criteria provided, single submitter. Criteria: ACMG Guidelines, 2015. Collection method: clinical testing. Allele origin: germline.
Comment: This variant is classified as likely benign based on ACMG/AMP sequence variant interpretation guidelines (Richards et al. 2015 PMID: 25741868, with internal and published modifications).

Blueprint Genetics
Classification: Likely benign. Last evaluated: 2024-11-19. Review status: criteria provided, single submitter. Criteria: ACMG Guidelines, 2015. Collection method: clinical testing. Allele origin: germline.

Illumina Laboratory Services, Illumina
Classification: Uncertain significance for Knobloch syndrome 1. Last evaluated: 2018-01-13. Review status: criteria provided, single submitter. Criteria: ICSL Variant Classification Criteria 13 December 2019. Collection method: clinical testing. Allele origin: germline.

Athena Diagnostics
Classification: Likely benign. Last evaluated: 2016-12-01. Review status: criteria provided, single submitter. Criteria: Athena Diagnostics Criteria. Collection method: clinical testing. Allele origin: germline.